The following is an entry in ClinVar:

NM_001112741.2(KCNC1):c.604G>T (p.Val202Phe)

Gene: KCNC1 (potassium voltage-gated channel subfamily C member 1; plus strand). Cytogenetic location: 11p15.1.
Variant type: single nucleotide variant.
Coding change: c.604G>T on transcript NM_001112741.2 (MANE Select); coding-DNA position 604, G replaced by T.
Protein change: p.Val202Phe; replaces valine 202 with phenylalanine.
Molecular consequence: missense variant.
Genome position (GRCh38, 1-based): chr11:17,771,698, G>T. VCF-style: chr11-17771698-G-T. GRCh37 (hg19) VCF-style: chr11-17793245-G-T.
Other names: c.604G>T, p.Val202Phe (NM_004976.4); short protein forms V202F.
Identifiers: ClinVar variation 4086371 (VCV004086371.1).

ClinVar aggregate classification (germline): Uncertain significance (1 of 4 stars; one submission).

Submission:

GeneDx
Classification: Uncertain significance. Last evaluated: 2025-03-21. Review status: criteria provided, single submitter. Criteria: GeneDx Variant Classification Process June 2021. Collection method: clinical testing. Allele origin: germline. Affected: yes.
Comment: Not observed at significant frequency in large population cohorts (gnomAD); In silico analysis supports that this missense variant has a deleterious effect on protein structure/function; Has not been previously published as pathogenic or benign to our knowledge